The following is an entry in ClinVar:

ClinVar aggregate classification (germline): Uncertain significance. Review status: criteria provided, multiple submitters, no conflicts (2 of 4 stars). 2 submissions from 2 submitters: Uncertain significance (2). Last evaluated 2025-09-01.

Allele frequency attached by ClinVar (database versions not stated): ExAC 0.00002; gnomAD exomes 0.00002; gnomAD 0.00003; TOPMed 0.00004.
gnomAD v4.1: 33 of 1,600,832 alleles (0.0021%); highest among the groups gnomAD compares: Non-Finnish European, 0.0025%; no homozygotes.

Submissions (2):

CeGaT Center for Human Genetics Tuebingen
Classification: Uncertain significance. Last evaluated: 2025-09-01. Review status: criteria provided, single submitter. Criteria: CeGaT Center For Human Genetics Tuebingen Variant Classification Criteria Version 2. Collection method: clinical testing. Allele origin: germline. Affected: yes. Observed: 1 variant allele.
Comment: CFD: PM2

Labcorp Genetics (formerly Invitae), Labcorp
Classification: Uncertain significance. Last evaluated: 2022-08-13. Review status: criteria provided, single submitter. Criteria: Invitae Variant Classification Sherloc (09022015). Collection method: clinical testing. Allele origin: germline.
Comment: This sequence change replaces serine, which is neutral and polar, with asparagine, which is neutral and polar, at codon 165 of the CFD protein (p.Ser165Asn). This variant is present in population databases (rs779523888, gnomAD 0.005%). This variant has not been reported in the literature in individuals affected with CFD-related conditions. Algorithms developed to predict the effect of missense changes on protein structure and function are either unavailable or do not agree on the potential impact of this missense change (SIFT: "Not Available"; PolyPhen-2: "Benign"; Align-GVGD: "Not Available"). In summary, the available evidence is currently insufficient to determine the role of this variant in disease. Therefore, it has been classified as a Variant of Uncertain Significance.

NM_001928.4(CFD):c.494G>A (p.Ser165Asn)

Gene: CFD (complement factor D; plus strand). Cytogenetic location: 19p13.3.
Variant type: single nucleotide variant.
Coding change: c.494G>A on transcript NM_001928.4 (MANE Select); coding-DNA position 494, G replaced by A.
Protein change: p.Ser165Asn; replaces serine 165 with asparagine.
Molecular consequence: missense variant.
Genome position (GRCh38, 1-based): chr19:861,835, G>A. VCF-style: chr19-861835-G-A. GRCh37 (hg19) VCF-style: chr19-861835-G-A.
Other names: c.515G>A, p.Ser172Asn (NM_001317335.2); short protein forms S165N, S172N.
Identifiers: ClinVar variation 1914959 (VCV001914959.9), dbSNP rs779523888, ClinGen allele CA9026379.
Genomic context (GRCh38, chr19:861,835, plus strand): 5'-GAACTCTCTGCGACGTGGCCGGCTGGGGCATAGTCAACCACGCGGGCCGCCGCCCGGACA[G>A]CCTGCAGCACGTGCTCTTGCCAGTGCTGGACCGCGCCACCTGCAACCGGCGCACGCACCA-3'
Protein context (NP_001919.2, residues 155-175): IVNHAGRRPD[Ser165Asn]LQHVLLPVLD